The following is an entry in ClinVar:

NM_000180.4(GUCY2D):c.3043+4_3043+7del

Gene: GUCY2D (guanylate cyclase 2D, retinal; plus strand). Cytogenetic location: 17p13.1.
Variant type: Deletion.
Coding change: c.3043+4_3043+7del on transcript NM_000180.4 (MANE Select); bases 4 to 7 of the intron after coding-DNA position 3043, 4 bases deleted (AGTG; older notation c.3043+4_3043+7delAGTG).
Molecular consequence: splice donor variant.
Genome position (GRCh38, 1-based): chr17:8,015,845-8,015,848, AGTG deleted; deleting any 4 consecutive bases within chr17:8,015,842-8,015,848 gives the same sequence; the c. name uses the placement nearest the transcript's 3' end. VCF-style (leftmost placement, unchanged base first): chr17-8015841-CGTGA-C. GRCh37 (hg19) VCF-style: chr17-7919159-CGTGA-C.
Identifiers: ClinVar variation 3256637 (VCV003256637.1).

ClinVar aggregate classification (germline): Uncertain significance (1 of 4 stars; one submission).

Conditions:
Leber congenital amaurosis 1 (LCA1). Also called: AMAUROSIS CONGENITA OF LEBER I; Congenital absence of the rods and cones; Leber's congenital tapetoretinal degeneration; Leber's congenital tapetoretinal dysplasia; RETINAL BLINDNESS, CONGENITAL. Identifiers: Orphanet 65, MedGen C2931258, MONDO:0008764, OMIM 204000.

Submission:

MVZ Medizinische Genetik Mainz
Classification: Uncertain significance for Leber congenital amaurosis 1. Last evaluated: 2024-05-22. Review status: criteria provided, single submitter. Criteria: UK Practice Guidelines For Variant Classification V4 01 2020. Collection method: clinical testing. Allele origin: germline. Inheritance: Autosomal recessive inheritance. Affected: yes. Observed: 1 variant allele.
Comment: ACMG Criteria: PM2_SUP,PP3,PP4